The following is an entry in ClinVar:

NM_001282531.3(ADNP):c.1772C>A (p.Pro591Gln)

Gene: ADNP (activity dependent neuroprotector homeobox; minus strand). Cytogenetic location: 20q13.13.
Variant type: single nucleotide variant.
Coding change: c.1772C>A on transcript NM_001282531.3 (MANE Select); coding-DNA position 1772, C replaced by A.
Protein change: p.Pro591Gln; replaces proline 591 with glutamine.
Molecular consequence: missense variant.
Genome position (GRCh38, 1-based): chr20:50,892,942, G>T on the plus strand (C>A on the coding strand, the complement: ADNP is on the minus strand). VCF-style: chr20-50892942-G-T. GRCh37 (hg19) VCF-style: chr20-49509479-G-T.
Other names: c.1772C>A, p.Pro591Gln (NM_001282532.2, NM_001347511.2, NM_015339.5 and 1 more transcripts); short protein forms P591Q.
Identifiers: ClinVar variation 1718246 (VCV001718246.5), dbSNP rs2515582963, ClinGen allele CA408972271.

ClinVar aggregate classification (germline): Uncertain significance (1 of 4 stars; one submission).

Submission:

Labcorp Genetics (formerly Invitae), Labcorp
Classification: Uncertain significance. Last evaluated: 2022-08-28. Review status: criteria provided, single submitter. Criteria: Invitae Variant Classification Sherloc (09022015). Collection method: clinical testing. Allele origin: germline.
Comment: This sequence change replaces proline, which is neutral and non-polar, with glutamine, which is neutral and polar, at codon 591 of the ADNP protein (p.Pro591Gln). This variant is not present in population databases (gnomAD no frequency). This variant has not been reported in the literature in individuals affected with ADNP-related conditions. Algorithms developed to predict the effect of missense changes on protein structure and function are either unavailable or do not agree on the potential impact of this missense change (SIFT: "Not Available"; PolyPhen-2: "Benign"; Align-GVGD: "Not Available"). In summary, the available evidence is currently insufficient to determine the role of this variant in disease. Therefore, it has been classified as a Variant of Uncertain Significance.